The following is an entry in ClinVar:

NM_004408.4(DNM1):c.105T>G (p.Ala35=)

Genes: CIZ1 (CDKN1A interacting zinc finger protein 1; minus strand), DNM1 (dynamin 1; plus strand). Cytogenetic location: 9q34.11.
Variant type: single nucleotide variant.
Coding change: c.105T>G on transcript NM_004408.4 (MANE Select); coding-DNA position 105, T replaced by G.
Protein change: p.Ala35=; no amino-acid change (alanine 35 retained).
Molecular consequence: synonymous variant. On other transcripts: intron variant (2).
Genome position (GRCh38, 1-based): chr9:128,203,575, T>G. VCF-style: chr9-128203575-T-G. GRCh37 (hg19) VCF-style: chr9-130965854-T-G.
Other names: c.105T>G, p.Ala35= (NM_001005336.3, NM_001288737.2, NM_001288738.2 and 2 more transcripts); c.-6+611A>C (NM_001131015.2, NM_012127.3).
Identifiers: ClinVar variation 4991787 (VCV004991787.1).

ClinVar aggregate classification (germline): Likely benign (1 of 4 stars; one submission).

Conditions:
DNM1-related disorder. Also called: DNM1-related condition.

Submission:

PreventionGenetics, part of Exact Sciences
Classification: Likely benign for DNM1-related condition. Last evaluated: 2026-01-11. Review status: criteria provided, single submitter. Criteria: ACMG Guidelines, 2015. Collection method: clinical testing. Allele origin: germline.
Comment: This variant is classified as likely benign based on ACMG/AMP sequence variant interpretation guidelines (Richards et al. 2015 PMID: 25741868, with internal and published modifications).